The following is an entry in ClinVar:

ClinVar aggregate classification (germline): Uncertain significance (1 of 4 stars; one submission).

Allele frequency attached by ClinVar (database versions not stated): ExAC 0.00002.
gnomAD v4.1: 3 of 1,590,194 alleles (0.00019%); highest among the groups gnomAD compares: East Asian, 0.0067%; no homozygotes.

Submission:

Labcorp Genetics (formerly Invitae), Labcorp
Classification: Uncertain significance. Last evaluated: 2023-05-15. Review status: criteria provided, single submitter. Criteria: Invitae Variant Classification Sherloc (09022015). Collection method: clinical testing. Allele origin: germline.
Comment: In summary, the available evidence is currently insufficient to determine the role of this variant in disease. Therefore, it has been classified as a Variant of Uncertain Significance. Advanced modeling of protein sequence and biophysical properties (such as structural, functional, and spatial information, amino acid conservation, physicochemical variation, residue mobility, and thermodynamic stability) performed at Invitae indicates that this missense variant is not expected to disrupt KIF11 protein function. ClinVar contains an entry for this variant (Variation ID: 1935698). This variant has not been reported in the literature in individuals affected with KIF11-related conditions. This variant is present in population databases (rs746889801, gnomAD 0.02%). This sequence change replaces isoleucine, which is neutral and non-polar, with threonine, which is neutral and polar, at codon 650 of the KIF11 protein (p.Ile650Thr).

NM_004523.4(KIF11):c.1949T>C (p.Ile650Thr)

Gene: KIF11 (kinesin family member 11; plus strand). Cytogenetic location: 10q23.33.
Variant type: single nucleotide variant.
Coding change: c.1949T>C on transcript NM_004523.4 (MANE Select); coding-DNA position 1949, T replaced by C.
Protein change: p.Ile650Thr; replaces isoleucine 650 with threonine.
Molecular consequence: missense variant.
Genome position (GRCh38, 1-based): chr10:92,637,257, T>C. VCF-style: chr10-92637257-T-C. GRCh37 (hg19) VCF-style: chr10-94397014-T-C.
Other names: short protein forms I650T.
Identifiers: ClinVar variation 1935698 (VCV001935698.5), dbSNP rs746889801, ClinGen allele CA5604289.